The following is an entry in ClinVar:

ClinVar aggregate classification (germline): Uncertain significance. Review status: criteria provided, multiple submitters, no conflicts (2 of 4 stars). 2 submissions from 2 submitters: Uncertain significance (2). Last evaluated 2025-04-24.

Conditions:
Inborn genetic diseases. Identifiers: MedGen C0950123, MeSH D030342.

Allele frequency attached by ClinVar (database versions not stated): gnomAD exomes below 0.00001; gnomAD 0.00001; TOPMed 0.00001.
gnomAD v4.1: 3 of 1,614,056 alleles (0.00019%); highest among the groups gnomAD compares: South Asian, 0.0011%; no homozygotes.

Submissions (2):

Ambry Genetics
Classification: Uncertain significance for Inborn genetic diseases. Last evaluated: 2025-04-24. Review status: criteria provided, single submitter. Criteria: Ambry Variant Classification Scheme 2023. Collection method: clinical testing. Allele origin: germline.

CeGaT Center for Human Genetics Tuebingen
Classification: Uncertain significance. Last evaluated: 2023-08-01. Review status: criteria provided, single submitter. Criteria: CeGaT Center For Human Genetics Tuebingen Variant Classification Criteria Version 2. Collection method: clinical testing. Allele origin: germline. Affected: yes. Observed: 1 variant allele.
Comment: DEPDC5: PM2, PP3

NM_001242896.3(DEPDC5):c.461G>A (p.Gly154Asp)

Gene: DEPDC5 (DEP domain containing 5, GATOR1 subcomplex subunit; plus strand). Cytogenetic location: 22q12.2.
Variant type: single nucleotide variant.
Coding change: c.461G>A on transcript NM_001242896.3 (MANE Select); coding-DNA position 461, G replaced by A.
Protein change: p.Gly154Asp; replaces glycine 154 with aspartic acid.
Molecular consequence: missense variant. On other transcripts: non-coding transcript variant (5).
Genome position (GRCh38, 1-based): chr22:31,778,146, G>A. VCF-style: chr22-31778146-G-A. GRCh37 (hg19) VCF-style: chr22-32174132-G-A.
Other names: c.461G>A, p.Gly154Asp (NM_001007188.4, NM_001136029.4, NM_001242897.2 and 7 more transcripts); c.377G>A, p.Gly126Asp (NM_001369901.1, NM_001369902.1); c.461G>A (NM_001242896.1); short protein forms G126D, G154D.
Identifiers: ClinVar variation 2653075 (VCV002653075.24), dbSNP rs1261666625, ClinGen allele CA411284491.
Genomic context (GRCh38, chr22:31,778,146, plus strand): 5'-TGTATTCTTTCAGAGCACAGGCTGGTGAACTGTGGGTTAAGAATGAGAAGGTCATGTGTG[G>A]CTACATCAGTGAAGATACCAGGGTAAGATTTATAAAATGCTTTTTTGGTTTTATCTCTCC-3'
Protein context (NP_001229825.1, residues 144-164): LWVKNEKVMC[Gly154Asp]YISEDTRVVF